The following is an entry in ClinVar:

ClinVar aggregate classification (germline): Likely benign. Review status: criteria provided, single submitter (1 of 4 stars). 2 submissions from 1 submitter: Likely benign (2). Last evaluated 2018-01-13.

Conditions:
Susceptibility to mononeuropathy of the median nerve, mild. Also called: CARPAL TUNNEL SYNDROME, SUSCEPTIBILITY TO. Identifiers: MedGen C3150596, MONDO:0013237, OMIM 613353.
Charcot-Marie-Tooth disease type 4C (CMT4C). Also called: CHARCOT-MARIE-TOOTH DISEASE, DEMYELINATING, TYPE 4C; SH3TC2-Related Hereditary Motor and Sensory Neuropathy; Charcot-Marie-Tooth Neuropathy Type 4C (CMT4C); CHARCOT-MARIE-TOOTH DISEASE, DEMYELINATING, AUTOSOMAL RECESSIVE, TYPE 4C; CMT 4C. Identifiers: Orphanet 99949, MedGen C1866636, MONDO:0011113, OMIM 601596.

Allele frequency attached by ClinVar (database versions not stated): gnomAD 0.00052 and 0.00062; TOPMed 0.00077; 1000 Genomes Project 0.00180; 1000 Genomes Project 30x 0.00187.

Submissions (2):

Illumina Laboratory Services, Illumina
Classification: Likely benign for Charcot-Marie-Tooth disease type 4C. Last evaluated: 2018-01-13. Review status: criteria provided, single submitter. Criteria: ICSL Variant Classification Criteria 13 December 2019. Collection method: clinical testing. Allele origin: germline.
Comment: This variant was observed in the ICSL laboratory as part of a predisposition screen in an ostensibly healthy population. It had not been previously curated by ICSL or reported in the Human Gene Mutation Database (HGMD: prior to June 1st, 2018), and was therefore a candidate for classification through an automated scoring system. Utilizing variant allele frequency, disease prevalence and penetrance estimates, and inheritance mode, an automated score was calculated to assess if this variant is too frequent to cause the disease. Based on the score and internal cut-off values, a variant classified as likely benign is not then subjected to further curation. The score for this variant resulted in a classification of likely benign for this disease.

Illumina Laboratory Services, Illumina
Classification: Likely benign for Susceptibility to mononeuropathy of the median nerve, mild. Last evaluated: 2018-01-13. Review status: criteria provided, single submitter. Criteria: ICSL Variant Classification Criteria 13 December 2019. Collection method: clinical testing. Allele origin: germline.
Comment: the same text as in the submission from Illumina Laboratory Services, Illumina above.

NM_024577.4(SH3TC2):c.*1765G>C

Gene: SH3TC2 (SH3 domain and tetratricopeptide repeats 2; minus strand). Cytogenetic location: 5q32.
Variant type: single nucleotide variant.
Coding change: c.*1765G>C on transcript NM_024577.4 (MANE Select); 1765 bases downstream of the stop codon, G replaced by C.
Molecular consequence: 3 prime UTR variant.
Genome position (GRCh38, 1-based): chr5:149,002,946, C>G on the plus strand (G>C on the coding strand, the complement: SH3TC2 is on the minus strand). VCF-style: chr5-149002946-C-G. GRCh37 (hg19) VCF-style: chr5-148382509-C-G.
Identifiers: ClinVar variation 906255 (VCV000906255.4), dbSNP rs144178710, ClinGen allele CA128993515.